The following is an entry in ClinVar:

NM_176824.3(BBS7):c.651G>A (p.Ala217=)

Gene: BBS7 (Bardet-Biedl syndrome 7; minus strand). Cytogenetic location: 4q27.
Variant type: single nucleotide variant.
Coding change: c.651G>A on transcript NM_176824.3 (MANE Select); coding-DNA position 651, G replaced by A.
Protein change: p.Ala217=; no amino-acid change (alanine 217 retained).
Molecular consequence: synonymous variant.
Genome position (GRCh38, 1-based): chr4:121,854,771, C>T on the plus strand (G>A on the coding strand, the complement: BBS7 is on the minus strand). VCF-style: chr4-121854771-C-T. GRCh37 (hg19) VCF-style: chr4-122775926-C-T.
Other names: c.651G>A, p.Ala217= (NM_018190.4).
Identifiers: ClinVar variation 347486 (VCV000347486.14), dbSNP rs750691939, ClinGen allele CA3064442.
Genomic context (GRCh38, chr4:121,854,771, plus strand): 5'-CTTTTTCTCATTTTGAATTTCCCACTTGCGTACTGGTTTGGATGTAGTAATCTGTATAAG[C>T]GCAAGTTTTCCGTCTGATGTCCCAAACAAAAGGTCTTCTCCAGAGTCACCTACTTATAAT-3'
Protein context (NP_789794.1, residues 207-227): LLFGTSDGKL[Ala217=]LIQITTSKPV

ClinVar aggregate classification (germline): Conflicting classifications of pathogenicity. Review status: criteria provided, conflicting classifications (1 of 4 stars). 4 submissions from 4 submitters: Uncertain significance (1); Likely benign (2). 1 of the submissions does not count toward it. Last evaluated 2025-11-11.

Conditions:
BBS7-related disorder. Also called: BBS7-related condition.
Bardet-Biedl syndrome 7 (BBS7). Identifiers: Orphanet 110, MedGen C1859565, MONDO:0014435, OMIM 615984.
Bardet-Biedl syndrome (BBS). Identifiers: Orphanet 110, MedGen C0752166, MONDO:0015229.

Allele frequency attached by ClinVar (database versions not stated): gnomAD exomes below 0.00001 and 0.00001; ExAC 0.00001; gnomAD 0.00001; TOPMed 0.00001.
gnomAD v4.1: 8 of 1,612,584 alleles (0.0005%); highest among the groups gnomAD compares: Non-Finnish European, 0.00068%; no homozygotes.

Submissions (4):

Labcorp Genetics (formerly Invitae), Labcorp
Classification: Likely benign for Bardet-Biedl syndrome. Last evaluated: 2025-11-11. Review status: criteria provided, single submitter. Criteria: Invitae Variant Classification Sherloc (09022015). Collection method: clinical testing. Allele origin: germline.

Blueprint Genetics
Classification: Likely benign. Last evaluated: 2023-09-22. Review status: criteria provided, single submitter. Criteria: ACMG Guidelines, 2015. Collection method: clinical testing. Allele origin: germline.

Illumina Laboratory Services, Illumina
Classification: Uncertain significance for Bardet-Biedl syndrome 7. Last evaluated: 2018-01-13. Review status: criteria provided, single submitter. Criteria: ICSL Variant Classification Criteria 13 December 2019. Collection method: clinical testing. Allele origin: germline.

PreventionGenetics, part of Exact Sciences
Classification: Likely benign for BBS7-related condition. Last evaluated: 2021-04-06. Review status: no assertion criteria provided. Collection method: clinical testing. Allele origin: germline. Not counted in ClinVar's aggregate classification.
Comment: This variant is classified as likely benign based on ACMG/AMP sequence variant interpretation guidelines (Richards et al. 2015 PMID: 25741868, with internal and published modifications).